The following is an entry in ClinVar:

NM_139057.4(ADAMTS17):c.1841G>T (p.Arg614Leu)

Gene: ADAMTS17 (ADAM metallopeptidase with thrombospondin type 1 motif 17; minus strand). Cytogenetic location: 15q26.3.
Variant type: single nucleotide variant.
Coding change: c.1841G>T on transcript NM_139057.4 (MANE Select); coding-DNA position 1841, G replaced by T.
Protein change: p.Arg614Leu; replaces arginine 614 with leucine.
Molecular consequence: missense variant.
Genome position (GRCh38, 1-based): chr15:100,116,894, C>A on the plus strand (G>T on the coding strand, the complement: ADAMTS17 is on the minus strand). VCF-style: chr15-100116894-C-A. GRCh37 (hg19) VCF-style: chr15-100657099-C-A.
Other names: short protein forms R614L.
Identifiers: ClinVar variation 1487575 (VCV001487575.6), dbSNP rs144928920, ClinGen allele CA7758045.
Genomic context (GRCh38, chr15:100,116,894, plus strand): 5'-CATATGCCTTTACCGTCAACCACCACGGCTGTCAGCAGGCCTTTCTTCTTGGGGCTCAGC[C>A]GGTCGTGTGCCTGGCACTGCTGGTCCCGGAAGCTGGGCAGACCCTTGGGGCAGGGCAGGT-3'
Protein context (NP_620688.2, residues 604-624): FRDQQCQAHD[Arg614Leu]LSPKKKGLLT

ClinVar aggregate classification (germline): Uncertain significance (1 of 4 stars; one submission).

Submission:

Labcorp Genetics (formerly Invitae), Labcorp
Classification: Uncertain significance. Last evaluated: 2021-08-31. Review status: criteria provided, single submitter. Criteria: Invitae Variant Classification Sherloc (09022015). Collection method: clinical testing. Allele origin: germline.
Comment: In summary, the available evidence is currently insufficient to determine the role of this variant in disease. Therefore, it has been classified as a Variant of Uncertain Significance. Algorithms developed to predict the effect of missense changes on protein structure and function are either unavailable or do not agree on the potential impact of this missense change (SIFT: "Not Available"; PolyPhen-2: "Possibly Damaging"; Align-GVGD: "Not Available"). This variant has not been reported in the literature in individuals affected with ADAMTS17-related conditions. This variant is present in population databases (rs144928920, ExAC 0.02%). This sequence change replaces arginine with leucine at codon 614 of the ADAMTS17 protein (p.Arg614Leu). The arginine residue is highly conserved and there is a moderate physicochemical difference between arginine and leucine.